The following is an entry in ClinVar:

NM_033380.3(COL4A5):c.685A>G (p.Lys229Glu)

Gene: COL4A5 (collagen type IV alpha 5 chain; plus strand). Cytogenetic location: Xq22.3.
Variant type: single nucleotide variant.
Coding change: c.685A>G on transcript NM_033380.3 (MANE Select); coding-DNA position 685, A replaced by G.
Protein change: p.Lys229Glu; replaces lysine 229 with glutamic acid.
Molecular consequence: missense variant.
Genome position (GRCh38, 1-based): chrX:108,578,117, A>G. VCF-style: chrX-108578117-A-G. GRCh37 (hg19) VCF-style: chrX-107821347-A-G.
Other names: c.685A>G, p.Lys229Glu (NM_000495.5); short protein forms K229E.
Identifiers: ClinVar variation 3627092 (VCV003627092.2).
Genomic context (GRCh38, chrX:108,578,117, plus strand): 5'-AATGGAAACTTCTCTCTCCAGGGGAATATGGGCTTAAATTTCCAGGGACCCAAAGGTGAA[A>G]AAGTGAGTAAAGAAAGAGAGCTGGTTATTCAGCCCTCAGCTTTCTCTTTTTGTAGTCATT-3'
Protein context (NP_203699.1, residues 219-239): GLNFQGPKGE[Lys229Glu]GEQGLQGPPG

ClinVar aggregate classification (germline): Uncertain significance (1 of 4 stars; one submission).

Submission:

Labcorp Genetics (formerly Invitae), Labcorp
Classification: Uncertain significance. Last evaluated: 2024-09-28. Review status: criteria provided, single submitter. Criteria: Invitae Variant Classification Sherloc (09022015). Collection method: clinical testing. Allele origin: germline.
Comment: This sequence change replaces lysine, which is basic and polar, with glutamic acid, which is acidic and polar, at codon 229 of the COL4A5 protein (p.Lys229Glu). This variant is not present in population databases (gnomAD no frequency). This variant has not been reported in the literature in individuals affected with COL4A5-related conditions. Experimental studies and prediction algorithms are not available or were not evaluated, and the functional significance of this variant is currently unknown. In summary, the available evidence is currently insufficient to determine the role of this variant in disease. Therefore, it has been classified as a Variant of Uncertain Significance.